The following is an entry in ClinVar:

NM_004104.5(FASN):c.101C>T (p.Thr34Met)

Gene: FASN (fatty acid synthase; minus strand). Cytogenetic location: 17q25.3.
Variant type: single nucleotide variant.
Coding change: c.101C>T on transcript NM_004104.5 (MANE Select); coding-DNA position 101, C replaced by T.
Protein change: p.Thr34Met; replaces threonine 34 with methionine.
Molecular consequence: missense variant.
Genome position (GRCh38, 1-based): chr17:82,096,345, G>A on the plus strand (C>T on the coding strand, the complement: FASN is on the minus strand). VCF-style: chr17-82096345-G-A. GRCh37 (hg19) VCF-style: chr17-80054221-G-A.
Other names: c.101C>T (NM_004104.4); short protein forms T34M.
Identifiers: ClinVar variation 1024199 (VCV001024199.9), dbSNP rs758488529, ClinGen allele CA8853678.
Genomic context (GRCh38, chr17:82,096,345, plus strand): 5'-CACCCCAGGCACGGGGAGCCCCGCAGCCACATACCCGCCTTCCAGCGACGGTCATCGTCC[G>A]TGACCATGTCCACACCGCCGATGAGGTTGTCCCAGAACTCCTGCAAGTTCTCCGACTCTG-3'
Protein context (NP_004095.4, residues 24-44): DNLIGGVDMV[Thr34Met]DDDRRWKAGL

ClinVar aggregate classification (germline): Uncertain significance. Review status: criteria provided, multiple submitters, no conflicts (2 of 4 stars). 2 submissions from 2 submitters: Uncertain significance (2). Last evaluated 2026-01-30.

Conditions:
Epileptic encephalopathy. Identifiers: MedGen C0543888, HP:0200134.

Allele frequency attached by ClinVar (database versions not stated): gnomAD exomes 0.00003; TOPMed 0.00008; gnomAD 0.00010 and 0.00011.

Submissions (2):

Labcorp Genetics (formerly Invitae), Labcorp
Classification: Uncertain significance for Epileptic encephalopathy. Last evaluated: 2026-01-30. Review status: criteria provided, single submitter. Criteria: Invitae Variant Classification Sherloc (09022015). Collection method: clinical testing. Allele origin: germline.
Comment: This sequence change replaces threonine, which is neutral and polar, with methionine, which is neutral and non-polar, at codon 34 of the FASN protein (p.Thr34Met). This variant is present in population databases (rs758488529, gnomAD 0.009%). This variant has not been reported in the literature in individuals affected with FASN-related conditions. ClinVar contains an entry for this variant (Variation ID: 1024199). An algorithm developed to predict the effect of missense changes on protein structure and function (PolyPhen-2) suggests that this variant is likely to be disruptive. In summary, the available evidence is currently insufficient to determine the role of this variant in disease. Therefore, it has been classified as a Variant of Uncertain Significance.

Ambry Genetics
Classification: Uncertain significance. Last evaluated: 2024-03-25. Review status: criteria provided, single submitter. Criteria: Ambry Variant Classification Scheme 2023. Collection method: clinical testing. Allele origin: germline.